The following is an entry in ClinVar:

ClinVar aggregate classification (germline): Conflicting classifications of pathogenicity. Review status: criteria provided, conflicting classifications (1 of 4 stars). 3 submissions from 3 submitters: Uncertain significance (1); Likely benign (2). Last evaluated 2024-08-14.

Conditions:
Cardiovascular phenotype. Identifiers: MedGen CN230736.
3-Methylglutaconic aciduria type 2 (BTHS). Also called: Barth syndrome; CARDIOSKELETAL MYOPATHY WITH NEUTROPENIA AND ABNORMAL MITOCHONDRIA. Identifiers: Orphanet 111, MedGen C0574083, MONDO:0010543, OMIM 302060.

Allele frequency attached by ClinVar (database versions not stated): TOPMed below 0.00001; gnomAD exomes 0.00001; ExAC 0.00002.
gnomAD v4.1: 5 of 1,201,741 alleles (0.00042%); highest among the groups gnomAD compares: East Asian, 0.003%; no homozygotes.

Submissions (3):

Labcorp Genetics (formerly Invitae), Labcorp
Classification: Likely benign for 3-Methylglutaconic aciduria type 2. Last evaluated: 2024-08-14. Review status: criteria provided, single submitter. Criteria: Invitae Variant Classification Sherloc (09022015). Collection method: clinical testing. Allele origin: germline.

Ambry Genetics
Classification: Uncertain significance for Cardiovascular phenotype. Last evaluated: 2024-03-26. Review status: criteria provided, single submitter. Criteria: Ambry Variant Classification Scheme 2023. Collection method: clinical testing. Allele origin: germline.
Comment: The c.198G>A variant (also known as p.V66V), located in coding exon 2 of the TAZ gene, results from a G to A substitution at nucleotide position 198. This nucleotide substitution does not change the valine at codon 66. Based on data from gnomAD, the A allele has an overall frequency of <0.01% (1/158211) total alleles studied, with 0 hemizygote(s) observed. The highest observed frequency was <0.01% (1/12584) of East Asian alleles. This nucleotide position is poorly conserved in available vertebrate species. In silico splice site analysis for this alteration is inconclusive. Based on the available evidence, the clinical significance of this alteration remains unclear.

Blueprint Genetics
Classification: Likely benign. Last evaluated: 2023-06-26. Review status: criteria provided, single submitter. Criteria: ACMG Guidelines, 2015. Collection method: clinical testing. Allele origin: germline.

NM_000116.5(TAFAZZIN):c.198G>A (p.Val66=)

Gene: TAFAZZIN (tafazzin, phospholipid-lysophospholipid transacylase; plus strand). Cytogenetic location: Xq28.
Variant type: single nucleotide variant.
Coding change: c.198G>A on transcript NM_000116.5 (MANE Select); coding-DNA position 198, G replaced by A.
Protein change: p.Val66=; no amino-acid change (valine 66 retained).
Molecular consequence: synonymous variant. On other transcripts: non-coding transcript variant (1).
Genome position (GRCh38, 1-based): chrX:154,412,174, G>A. VCF-style: chrX-154412174-G-A. GRCh37 (hg19) VCF-style: chrX-153640511-G-A.
Other names: c.252G>A, p.Val84= (NM_001303465.2); c.198G>A, p.Val66= (NM_181311.4, NM_181312.4, NM_181313.4); c.198G>A (NM_000116.3).
Identifiers: ClinVar variation 1090331 (VCV001090331.9), dbSNP rs782470471, ClinGen allele CA10562284.